The following is an entry in ClinVar:

ClinVar aggregate classification (germline): Uncertain significance (1 of 4 stars; one submission).

Conditions:
Cardiovascular phenotype. Identifiers: MedGen CN230736.

gnomAD v4.1: 2 of 1,611,770 alleles (0.00012%); highest among the groups gnomAD compares: South Asian, 0.0011%; no homozygotes.

Submission:

Ambry Genetics
Classification: Uncertain significance for Cardiovascular phenotype. Last evaluated: 2022-08-08. Review status: criteria provided, single submitter. Criteria: Ambry Variant Classification Scheme 2023. Collection method: clinical testing. Allele origin: germline.
Comment: The p.W6R variant (also known as c.16T>C), located in coding exon 1 of the FKBP14 gene, results from a T to C substitution at nucleotide position 16. The tryptophan at codon 6 is replaced by arginine, an amino acid with dissimilar properties. This amino acid position is conserved. In addition, this alteration is predicted to be tolerated by in silico analysis. Since supporting evidence is limited at this time, the clinical significance of this alteration remains unclear.

NM_017946.4(FKBP14):c.16T>C (p.Trp6Arg)

Genes: FKBP14 (FKBP prolyl isomerase 14; minus strand), FKBP14-AS1 (FKBP14 antisense RNA 1; plus strand). Cytogenetic location: 7p14.3.
Variant type: single nucleotide variant.
Coding change: c.16T>C on transcript NM_017946.4 (MANE Select); coding-DNA position 16, T replaced by C.
Protein change: p.Trp6Arg; replaces tryptophan 6 with arginine.
Molecular consequence: missense variant. On other transcripts: non-coding transcript variant (2).
Genome position (GRCh38, 1-based): chr7:30,026,493, A>G on the plus strand (T>C on the coding strand, the complement: FKBP14 is on the minus strand). VCF-style: chr7-30026493-A-G. GRCh37 (hg19) VCF-style: chr7-30066109-A-G.
Other names: short protein forms W6R.
Identifiers: ClinVar variation 1778335 (VCV001778335.2), dbSNP rs935382945, ClinGen allele CA367118500.